The following is an entry in ClinVar:

ClinVar aggregate classification (germline): Likely pathogenic (1 of 4 stars; one submission).

Conditions:
Joubert syndrome 3 (JBTS3). Also called: AHI1-related Ciliopathy. Identifiers: Orphanet 220493, MedGen C1837713, MONDO:0012078, OMIM 608629.

Submission:

3billion
Classification: Likely pathogenic for Joubert syndrome 3. Last evaluated: 2025-10-02. Review status: criteria provided, single submitter. Criteria: ACMG Guidelines, 2015. Collection method: clinical testing. Allele origin: germline. Affected: yes.
Comment: The variant is not observed in the gnomAD v4.1.0 dataset. Predicted Consequence/Location: Canonical splice site: predicted to alter splicing and result in a loss or disruption of normal protein function. Multiple pathogenic loss-of-function variants are reported downstream of the variant. In silico tools predict the variant to alter splicing and produce an abnormal transcript [SpliceAI: 0.98 (spliceogenicity >=0.2, non-spliceogenicity <0.1)]. Therefore, this variant is classified as Likely pathogenic according to the recommendation of ACMG/AMP guideline.

NM_001134831.2(AHI1):c.3110-1G>C

Gene: AHI1 (Abelson helper integration site 1; minus strand). Cytogenetic location: 6q23.3.
Variant type: single nucleotide variant.
Coding change: c.3110-1G>C on transcript NM_001134831.2 (MANE Select); the canonical splice acceptor site of the intron before coding-DNA position 3110, G replaced by C.
Molecular consequence: splice acceptor variant.
Genome position (GRCh38, 1-based): chr6:135,358,188, C>G on the plus strand (G>C on the coding strand, the complement: AHI1 is on the minus strand). VCF-style: chr6-135358188-C-G. GRCh37 (hg19) VCF-style: chr6-135679326-C-G.
Other names: c.3110-1G>C (NM_001134830.2, NM_001350503.2, NM_017651.5 and 1 more transcripts).
Identifiers: ClinVar variation 4855992 (VCV004855992.1).